The following is an entry in ClinVar:

NM_004646.4(NPHS1):c.1482dup (p.Arg495fs)

Gene: NPHS1 (NPHS1 adhesion molecule, nephrin; minus strand). Cytogenetic location: 19q13.12.
Variant type: Duplication.
Coding change: c.1482dup on transcript NM_004646.4 (MANE Select); coding-DNA position 1482, one base duplicated (G; older notation c.1482dupG).
Protein change: p.Arg495fs; shifts the reading frame from arginine 495.
Molecular consequence: frameshift variant.
Genome position (GRCh38, 1-based): chr19:35,846,153, C duplicated on the plus strand (G on the coding strand, the reverse complement: NPHS1 is on the minus strand). VCF-style (leftmost placement, unchanged base first): chr19-35846152-G-GC. GRCh37 (hg19) VCF-style: chr19-36337054-G-GC.
Other names: short protein forms R495fs.
Identifiers: ClinVar variation 5012094 (VCV005012094.1).

ClinVar aggregate classification (germline): Pathogenic (1 of 4 stars; one submission).

Conditions:
Finnish congenital nephrotic syndrome (NPHS1). Also called: NEPHROTIC SYNDROME, TYPE 1. Identifiers: Orphanet 839, MedGen C0403399, MONDO:0009732, OMIM 256300.

Submission:

Myriad Genetics, Inc.
Classification: Pathogenic for Finnish congenital nephrotic syndrome. Last evaluated: 2023-09-27. Review status: criteria provided, single submitter. Criteria: Myriad Autosomal Dominant, Autosomal Recessive and X-Linked Classification Criteria (2023). Collection method: clinical testing. Allele origin: unknown.
Comment: NM_004646.3(NPHS1):c.1482dupG(R495Afs*53) is expected to be pathogenic in the context of nephrotic syndrome, NPHS1-related. This variant is predicted to lead to an abnormal or absent protein product due to the creation of a premature termination codon in NPHS1, a gene where loss-of-function variants are known to be pathogenic. Please note: this variant was assessed in the context of healthy population screening.